The following is an entry in ClinVar:

ClinVar aggregate classification (germline): Uncertain significance (1 of 4 stars; one submission).

Allele frequency attached by ClinVar (database versions not stated): gnomAD exomes below 0.00001; ExAC 0.00001.
gnomAD v4.1: 4 of 1,614,130 alleles (0.00025%); highest among the groups gnomAD compares: Non-Finnish European, 0.00034%; no homozygotes.

Submission:

Labcorp Genetics (formerly Invitae), Labcorp
Classification: Uncertain significance. Last evaluated: 2023-10-15. Review status: criteria provided, single submitter. Criteria: Invitae Variant Classification Sherloc (09022015). Collection method: clinical testing. Allele origin: germline.
Comment: This sequence change replaces threonine, which is neutral and polar, with alanine, which is neutral and non-polar, at codon 474 of the GPI protein (p.Thr474Ala). This variant is present in population databases (rs757180727, gnomAD 0.0009%). This variant has not been reported in the literature in individuals affected with GPI-related conditions. Advanced modeling of protein sequence and biophysical properties (such as structural, functional, and spatial information, amino acid conservation, physicochemical variation, residue mobility, and thermodynamic stability) performed at Invitae indicates that this missense variant is expected to disrupt GPI protein function. In summary, the available evidence is currently insufficient to determine the role of this variant in disease. Therefore, it has been classified as a Variant of Uncertain Significance.

NM_000175.5(GPI):c.1420A>G (p.Thr474Ala)

Gene: GPI (glucose-6-phosphate isomerase; plus strand). Cytogenetic location: 19q13.11.
Variant type: single nucleotide variant.
Coding change: c.1420A>G on transcript NM_000175.5 (MANE Select); coding-DNA position 1420, A replaced by G.
Protein change: p.Thr474Ala; replaces threonine 474 with alanine.
Molecular consequence: missense variant.
Genome position (GRCh38, 1-based): chr19:34,399,577, A>G. VCF-style: chr19-34399577-A-G. GRCh37 (hg19) VCF-style: chr19-34890482-A-G.
Other names: c.1453A>G, p.Thr485Ala (NM_001184722.1); c.1537A>G, p.Thr513Ala (NM_001289789.1); c.1336A>G, p.Thr446Ala (NM_001289790.3); c.1420A>G, p.Thr474Ala (NM_001329909.1, NM_001329910.1); c.1393A>G, p.Thr465Ala (NM_001329911.2); short protein forms T474A, T485A, T446A, T513A, T465A.
Identifiers: ClinVar variation 2788807 (VCV002788807.3), dbSNP rs757180727, ClinGen allele CA9367437.
Genomic context (GRCh38, chr19:34,399,577, plus strand): 5'-CAGGACTCTCTTGGAGACATTCCTTGGTGTTTTCTGCAGGTCTTTGAAGGAAATCGCCCA[A>G]CCAACTCTATTGTGTTCACCAAGCTCACACCATTCATGCTTGGAGCCTTGGTCGGTGAGT-3'
Protein context (NP_000166.2, residues 464-484): PHKVFEGNRP[Thr474Ala]NSIVFTKLTP